The following is an entry in ClinVar:

NM_001276270.2(MBD4):c.779G>A (p.Ser260Asn)

Gene: MBD4 (methyl-CpG binding domain 4, DNA glycosylase; minus strand). Cytogenetic location: 3q21.3.
Variant type: single nucleotide variant.
Coding change: c.779G>A on transcript NM_001276270.2 (MANE Select); coding-DNA position 779, G replaced by A.
Protein change: p.Ser260Asn; replaces serine 260 with asparagine.
Molecular consequence: missense variant. On other transcripts: intron variant (1).
Genome position (GRCh38, 1-based): chr3:129,436,865, C>T on the plus strand (G>A on the coding strand, the complement: MBD4 is on the minus strand). VCF-style: chr3-129436865-C-T. GRCh37 (hg19) VCF-style: chr3-129155708-C-T.
Other names: c.779G>A, p.Ser260Asn (NM_001276271.2, NM_001276272.2, NM_003925.3); c.247+943G>A (NM_001276273.2); short protein forms S260N.
Identifiers: ClinVar variation 4052228 (VCV004052228.1).

ClinVar aggregate classification (germline): Uncertain significance (1 of 4 stars; one submission).

Conditions:
Inborn genetic diseases. Identifiers: MedGen C0950123, MeSH D030342.

Submission:

Ambry Genetics
Classification: Uncertain significance for Inborn genetic diseases. Last evaluated: 2025-05-09. Review status: criteria provided, single submitter. Criteria: Ambry Variant Classification Scheme 2023. Collection method: clinical testing. Allele origin: germline.
Comment: The p.S260N variant (also known as c.779G>A), located in coding exon 3 of the MBD4 gene, results from a G to A substitution at nucleotide position 779. The serine at codon 260 is replaced by asparagine, an amino acid with highly similar properties. This amino acid position is conserved. In addition, this alteration is predicted to be tolerated by in silico analysis. Based on the available evidence, the clinical significance of this variant remains unclear.